The following is an entry in ClinVar:

ClinVar aggregate classification (germline): Uncertain significance (1 of 4 stars; one submission).

Conditions:
Cardiovascular phenotype. Identifiers: MedGen CN230736.

Submission:

Ambry Genetics
Classification: Uncertain significance for Cardiovascular phenotype. Last evaluated: 2026-03-01. Review status: criteria provided, single submitter. Criteria: Ambry Variant Classification Scheme 2023. Collection method: clinical testing. Allele origin: germline.
Comment: The p.R57M variant (also known as c.170G>T), located in coding exon 1 of the ALPK3 gene, results from a G to T substitution at nucleotide position 170. The arginine at codon 57 is replaced by methionine, an amino acid with similar properties. This amino acid position is conserved. In addition, this alteration is predicted to be tolerated by in silico analysis. Based on the available evidence, the clinical significance of this variant remains unclear.

NM_020778.4:c.170G>T

Gene: ALPK3 (alpha kinase 3; plus strand).
Variant type: single nucleotide variant.
Identifiers: ClinVar variation 4826142 (VCV004826142.1).